The following is an entry in ClinVar:

NM_001353921.2(ARHGEF9):c.778T>A (p.Leu260Met)

Gene: ARHGEF9 (Cdc42 guanine nucleotide exchange factor 9; minus strand). Cytogenetic location: Xq11.1.
Variant type: single nucleotide variant.
Coding change: c.778T>A on transcript NM_001353921.2 (MANE Select); coding-DNA position 778, T replaced by A.
Protein change: p.Leu260Met; replaces leucine 260 with methionine.
Molecular consequence: missense variant.
Genome position (GRCh38, 1-based): chrX:63,678,377, A>T on the plus strand (T>A on the coding strand, the complement: ARHGEF9 is on the minus strand). VCF-style: chrX-63678377-A-T. GRCh37 (hg19) VCF-style: chrX-62898257-A-T.
Other names: c.598T>A, p.Leu200Met (NM_001173479.2); c.451T>A, p.Leu151Met (NM_001173480.2, NM_001369042.1); c.694T>A, p.Leu232Met (NM_001330495.2, NM_001353927.2, NM_001369033.1 and 8 more transcripts); c.778T>A, p.Leu260Met (NM_001353922.2); c.796T>A, p.Leu266Met (NM_001353923.1); c.577T>A, p.Leu193Met (NM_001353924.2, NM_001353926.2, NM_001369039.1 and 1 more transcripts); c.757T>A, p.Leu253Met (NM_001353928.2, NM_001369030.1, NM_001369031.1 and 2 more transcripts); c.343T>A, p.Leu115Met (NM_001369045.1); short protein forms L115M, L232M, L266M, L193M, L200M, L151M, L253M, L260M.
Identifiers: ClinVar variation 3673029 (VCV003673029.2).

ClinVar aggregate classification (germline): Uncertain significance (1 of 4 stars; one submission).

Conditions:
Developmental and epileptic encephalopathy, 8 (DEE8). Also called: HYPEREKPLEXIA AND EPILEPSY. Identifiers: Orphanet 163985, Orphanet 2076, MedGen C1845102, MONDO:0010375, OMIM 300607.

gnomAD v4.1: 2 of 1,207,167 alleles (0.00017%); highest among the groups gnomAD compares: Admixed American, 0.0022%; no homozygotes.

Submission:

Labcorp Genetics (formerly Invitae), Labcorp
Classification: Uncertain significance for Developmental and epileptic encephalopathy, 8. Last evaluated: 2024-04-08. Review status: criteria provided, single submitter. Criteria: Invitae Variant Classification Sherloc (09022015). Collection method: clinical testing. Allele origin: germline.
Comment: This sequence change replaces leucine, which is neutral and non-polar, with methionine, which is neutral and non-polar, at codon 253 of the ARHGEF9 protein (p.Leu253Met). This variant is not present in population databases (gnomAD no frequency). This variant has not been reported in the literature in individuals affected with ARHGEF9-related conditions. Advanced modeling of protein sequence and biophysical properties (such as structural, functional, and spatial information, amino acid conservation, physicochemical variation, residue mobility, and thermodynamic stability) has been performed at Invitae for this missense variant, however the output from this modeling did not meet the statistical confidence thresholds required to predict the impact of this variant on ARHGEF9 protein function. In summary, the available evidence is currently insufficient to determine the role of this variant in disease. Therefore, it has been classified as a Variant of Uncertain Significance.